The following is an entry in ClinVar:

ClinVar aggregate classification (germline): Uncertain significance (1 of 4 stars; one submission).

Submission:

GeneDx
Classification: Uncertain significance. Last evaluated: 2025-06-25. Review status: criteria provided, single submitter. Criteria: GeneDx Variant Classification Process June 2021. Collection method: clinical testing. Allele origin: germline. Affected: yes.
Comment: In silico analysis supports that this missense variant has a deleterious effect on protein structure/function; Has not been previously published as pathogenic or benign to our knowledge

NM_018133.4(MSL2):c.136G>C (p.Val46Leu)

Gene: MSL2 (MSL complex subunit 2; minus strand). Cytogenetic location: 3q22.3.
Variant type: single nucleotide variant.
Coding change: c.136G>C on transcript NM_018133.4 (MANE Select); coding-DNA position 136, G replaced by C.
Protein change: p.Val46Leu; replaces valine 46 with leucine.
Molecular consequence: missense variant.
Genome position (GRCh38, 1-based): chr3:136,194,978, C>G on the plus strand (G>C on the coding strand, the complement: MSL2 is on the minus strand). VCF-style: chr3-136194978-C-G. GRCh37 (hg19) VCF-style: chr3-135913820-C-G.
Other names: short protein forms V46L.
Identifiers: ClinVar variation 4539840 (VCV004539840.1).